The following is an entry in ClinVar:

ClinVar aggregate classification (germline): Uncertain significance (1 of 4 stars; one submission).

Allele frequency attached by ClinVar (database versions not stated): gnomAD exomes 0.00005; TOPMed 0.00006; gnomAD 0.00008; ExAC 0.00009.
gnomAD v4.1: 84 of 1,602,424 alleles (0.0052%); highest among the groups gnomAD compares: Non-Finnish European, 0.0055%; no homozygotes.

Submissions (3):

Women's Health and Genetics/Laboratory Corporation of America, LabCorp
Classification: Uncertain significance. Last evaluated: 2024-02-20. Review status: criteria provided, single submitter. Criteria: LabCorp Variant Classification Summary - May 2015. Collection method: clinical testing. Allele origin: germline.
Comment: Variant summary: TECR c.489G>A (p.Lys163Lys) alters a conserved nucleotide located close to a canonical splice site and therefore could affect mRNA splicing, leading to a significantly altered protein sequence. Several computational tools predict a significant impact on normal splicing: Four predict the variant weakens a 5' donor site. However, these predictions have yet to be confirmed by functional studies. The variant allele was found at a frequency of 7e-05 in 242170 control chromosomes (gnomAD). To our knowledge, no occurrence of c.489G>A in individuals affected with Autosomal Recessive Intellectual Disability and no experimental evidence demonstrating its impact on protein function have been reported. No submitters have cited clinical-significance assessments for this variant to ClinVar. Based on the evidence outlined above, the variant was classified as uncertain significance.

Dr. Peter K. Rogan Lab, Western University
No classification provided (evidence only). Condition: Colon adenocarcinoma. Review status: no classification provided. Collection method: in vitro. Allele origin: not applicable. Functional consequence: retained intron. Not counted in ClinVar's aggregate classification.

Dr. Peter K. Rogan Lab, Western University
No classification provided (evidence only). Condition: Gastric cancer. Review status: no classification provided. Collection method: in vitro. Allele origin: not applicable. Functional consequence: retained intron. Not counted in ClinVar's aggregate classification.

NM_138501.6(TECR):c.489G>A (p.Lys163=)

Gene: TECR (trans-2,3-enoyl-CoA reductase; plus strand). Cytogenetic location: 19p13.12.
Variant type: single nucleotide variant.
Coding change: c.489G>A on transcript NM_138501.6 (MANE Select); coding-DNA position 489, G replaced by A.
Protein change: p.Lys163=; no amino-acid change (lysine 163 retained).
Molecular consequence: synonymous variant.
Genome position (GRCh38, 1-based): chr19:14,564,287, G>A. VCF-style: chr19-14564287-G-A. GRCh37 (hg19) VCF-style: chr19-14675099-G-A.
Other names: NC_000019.9:g.14675099G>A; c.534G>A, p.Lys178= (NM_001321170.1).
Identifiers: ClinVar variation 3068819 (VCV003068819.3), dbSNP rs767614261, ClinGen allele CA9255155.